The following continues an entry in ClinVar:

NM_000432.4(MYL2):c.401A>C (p.Glu134Ala)

Gene: MYL2. ClinVar aggregate classification (germline): Conflicting classifications of pathogenicity. Likely pathogenic (4); Uncertain significance (17).

Submissions 9 to 25 of 25:

Color Diagnostics, LLC DBA Color Health
Classification: Uncertain significance for Cardiomyopathy. Last evaluated: 2025-01-06. Review status: criteria provided, single submitter. Criteria: ACMG Guidelines, 2015. Collection method: clinical testing. Allele origin: germline.
Comment: This missense variant replaces glutamic acid with alanine at codon 134 of the MYL2 protein. Computational prediction tools indicate that this variant has a deleterious impact on protein structure and function. Splice site prediction tools suggest that this variant may impact RNA splicing. A functional study using a cardiac papillary muscle fiber system has shown that this variant reduces actin binding in contraction (PMID: 23343568). This variant has been reported in at least six unrelated individuals affected with hypertrophic cardiomyopathy (PMID: 20173211, 23396983, 24111713, 31323898, 33495596, 33495597, 33732734). It has also been reported in one individual affected with dilated cardiomyopathy (PMID: 34935411, 35026164), and in one individual affected with respiratory syncytial virus-associated sudden death and an unaffected carrier parent (PMID: 31771554). However, this variant occurs at an elevated frequency in the general population and has been identified in 57/282826 chromosomes (45/129164 Non-Finnish European chromosomes at 0.0348%) by the Genome Aggregation Database (gnomAD). The available evidence is insufficient to determine the role of this variant in disease conclusively. Therefore, this variant is classified as a Variant of Uncertain Significance.

Clinical Genetics and Genomics, Karolinska University Hospital
Classification: Uncertain significance. Last evaluated: 2024-11-26. Review status: criteria provided, single submitter. Criteria: ACMG Guidelines, 2015. Collection method: clinical testing. Allele origin: germline. Affected: yes. Observed: 4 variant alleles.
Comment: The frequency of this variant (p.Glu134Ala) is too common in gnomAD (v2.1.1 and v..4.1.0-non-UKB) to be classified as pathogenic. The clinical relevance of this observation is not clear. This variant has been reported in at least six unrelated individuals affected with hypertrophic cardiomyopathy (PMID: 20173211, 23396983, 24111713, 31323898, 33495596, 33495597, 33732734). Therefore, pathogenicity of this variant is unclear today; hence, this variant is classified as a variant of unknown significance until more information becomes available.

All of Us Research Program, National Institutes of Health
Classification: Uncertain significance for Hypertrophic cardiomyopathy. Last evaluated: 2024-09-27. Review status: criteria provided, single submitter. Criteria: ACMG Guidelines, 2015. Collection method: clinical testing. Allele origin: germline. Inheritance: Autosomal dominant inheritance. Observed: 122 variant alleles, 121 heterozygotes, 1 hemizygote.
Comment: This missense variant replaces glutamic acid with alanine at codon 134 of the MYL2 protein. Computational prediction tools indicate that this variant has a deleterious impact on protein structure and function. Splice site prediction tools suggest that this variant may impact RNA splicing. A functional study using a cardiac papillary muscle fiber system has shown that this variant reduces actin binding in contraction (PMID: 23343568). However, clinical relevance of this observation is not clear. This variant has been reported in at least six unrelated individuals affected with hypertrophic cardiomyopathy (PMID: 20173211, 23396983, 24111713, 31323898, 33495596, 33495597, 33732734). It has also been reported in one individual affected with dilated cardiomyopathy (PMID: 34935411, 35026164), and in one individual affected with respiratory syncytial virus-associated sudden death and an unaffected carrier parent (PMID: 31771554). This variant has been identified in 57/282826 chromosomes in the general population by the Genome Aggregation Database (gnomAD). The available evidence is insufficient to determine the role of this variant in disease conclusively. Therefore, this variant is classified as a Variant of Uncertain Significance.

This study involves interpretation of variants in research participants for the purpose of population health screening. Participant phenotype was not available at the time of variant classification. Additional details can be found in publication PMID: 35346344, PMCID: PMC8962531

Blueprint Genetics
Classification: Uncertain significance. Last evaluated: 2024-09-25. Review status: criteria provided, single submitter. Criteria: ACMG Guidelines, 2015. Collection method: clinical testing. Allele origin: germline.

Fulgent Genetics
Classification: Uncertain significance for Hypertrophic cardiomyopathy 10; Myopathy, myofibrillar, 12, infantile-onset, with cardiomyopathy. Last evaluated: 2024-06-04. Review status: criteria provided, single submitter. Criteria: ACMG Guidelines, 2015. Collection method: clinical testing. Allele origin: germline.

Institute of Human Genetics, University of Leipzig Medical Center
Classification: Likely pathogenic for Hypertrophic cardiomyopathy 10. Last evaluated: 2022-07-18. Review status: criteria provided, single submitter. Criteria: ACMG Guidelines, 2015. Collection method: clinical testing. Allele origin: unknown. Inheritance: Autosomal dominant inheritance. Affected: yes.
Comment: Criteria applied: PS3,PM5,PP3,BS1

Department of Pathology and Laboratory Medicine, Sinai Health System
Classification: Uncertain significance for Hypertrophic cardiomyopathy 10; Myopathy, myofibrillar, 12, infantile-onset, with cardiomyopathy. Last evaluated: 2022-03-22. Review status: criteria provided, single submitter. Criteria: ACMG Guidelines, 2015. Collection method: research. Allele origin: germline.

MGZ Medical Genetics Center
Classification: Uncertain significance for Hypertrophic cardiomyopathy 10. Last evaluated: 2022-02-24. Review status: criteria provided, single submitter. Criteria: ACMG Guidelines, 2015. Collection method: clinical testing. Allele origin: germline. Affected: yes. Observed: 1 variant allele.
Comment: ACMG criteria applied: PP2, PP3

CHEO Genetics Diagnostic Laboratory, Children's Hospital of Eastern Ontario
Classification: Uncertain significance for Cardiomyopathy. Last evaluated: 2020-02-24. Review status: criteria provided, single submitter. Criteria: ACMG Guidelines, 2015. Collection method: clinical testing. Allele origin: germline.

Laboratory for Molecular Medicine, Mass General Brigham Personalized Medicine
Classification: Uncertain significance for Hypertrophic cardiomyopathy. Last evaluated: 2019-04-05. Review status: criteria provided, single submitter. Criteria: ACMG Guidelines, 2015. Collection method: clinical testing. Allele origin: germline. Inheritance: Autosomal unknown.
Comment: Disclaimer: This variant has not undergone full assessment. The following are preliminary notes: Gnomad: 0.033 in NFE population, HGMD: Whiffin (2017) Genet Med 19: 1151 PubMed: 28518168 Additional literature report − classed as VUS. See Supplementary Table S1. (only additional report, refers Burghardt et al). %7C ClinVar: VUS by Invitae, Ambry, EGL , LP by University of Washington, Eric and Hanna Klessmann Institute. Reported in multiple individuals with cardiomyopathy but frequency higher than expected for a pathogenic variant. Conflicting information - VUS.

Equipe Genetique des Anomalies du Developpement, Université de Bourgogne
Classification: Likely pathogenic for Hypertrophic cardiomyopathy 10. Last evaluated: 2018-11-21. Review status: criteria provided, single submitter. Criteria: ACMG Guidelines, 2015. Collection method: clinical testing. Allele origin: unknown.

CSER _CC_NCGL, University of Washington
Classification: Likely pathogenic for Hypertrophic cardiomyopathy. Last evaluated: 2016-10-01. Review status: criteria provided, single submitter. Criteria: Amendola et al. (Genome Res. 2015). Collection method: research. Allele origin: germline. Affected: no. Study: CSER - NEXT Medicine variant annotation.
Comment: This interpretation considers GERP score and allele frequency data, in addition to published reports of the variant in the literature, available at the time of review.

Eurofins Ntd Llc (ga)
Classification: Uncertain significance. Last evaluated: 2016-06-01. Review status: criteria provided, single submitter. Criteria: EGL Classification Definitions 2015. Collection method: clinical testing. Allele origin: germline. Observed: 1 variant allele, 1 heterozygote.

Clinical Molecular Genetics Laboratory, Johns Hopkins All Children's Hospital
Classification: Likely pathogenic for Dilated cardiomyopathy. Last evaluated: 2016-09-22. Review status: no assertion criteria provided. Collection method: clinical testing. Allele origin: germline. Affected: yes. Not counted in ClinVar's aggregate classification.

Institut für Laboratoriums- und Transfusionsmedizin, Herz- und Diabeteszentrum Nordrhein-Westfalen
Classification: Likely pathogenic for Dilated cardiomyopathy 1S. Last evaluated: 2016-05-01. Review status: no assertion criteria provided. Collection method: clinical testing. Allele origin: inherited. Affected: no. Observed: 2 variant alleles. Not counted in ClinVar's aggregate classification.

Dr. Peter K. Rogan Lab, Western University
No classification provided (evidence only). Condition: Sarcoma. Review status: no classification provided. Collection method: in vitro. Allele origin: not applicable. Functional consequence: retained intron. Not counted in ClinVar's aggregate classification.

Leiden Muscular Dystrophy (MYL2)
No classification provided. Review status: no classification provided. Collection method: not provided. Allele origin: germline. Not counted in ClinVar's aggregate classification.

Literature cited by the submitters: PubMed 18533079 (cited by 4 submitters); PubMed 20173211 (cited by 7 submitters); PubMed 23396983 (cited by 4 submitters); PubMed 23299917 (cited by 3 submitters); PubMed 22958901 (cited by Women's Health and Genetics/Laboratory Corporation of America, LabCorp); PubMed 24111713 (cited by 6 submitters); PubMed 24055113 (cited by Women's Health and Genetics/Laboratory Corporation of America, LabCorp and Ambry Genetics); PubMed 25524337 (cited by 3 submitters); PubMed 25637381 (cited by Women's Health and Genetics/Laboratory Corporation of America, LabCorp); PubMed 23343568 (cited by 7 submitters); PubMed 27600940 (cited by 3 submitters); PubMed 37652022 (cited by Women's Health and Genetics/Laboratory Corporation of America, LabCorp and Labcorp Genetics (formerly Invitae), Labcorp); PubMed 32336961 (cited by Women's Health and Genetics/Laboratory Corporation of America, LabCorp); PubMed 29253866 (cited by Mayo Clinic Laboratories, Mayo Clinic and Ambry Genetics); PubMed 30403391 (cited by Mayo Clinic Laboratories, Mayo Clinic and Ambry Genetics); PubMed 31323898 (cited by 4 submitters); PubMed 31771554 (cited by 4 submitters); PubMed 33495596 (cited by 3 submitters); PubMed 33732734 (cited by 3 submitters); PubMed 34935411 (cited by 3 submitters); PubMed 27483260 (cited by Ambry Genetics and Labcorp Genetics (formerly Invitae), Labcorp); PubMed 28750076 (cited by Ambry Genetics); PubMed 28771489 (cited by Ambry Genetics); PubMed 31019283 (cited by Ambry Genetics); PubMed 33495597 (cited by Color Diagnostics, LLC DBA Color Health and All of Us Research Program, National Institutes of Health); PubMed 35026164 (cited by Color Diagnostics, LLC DBA Color Health and All of Us Research Program, National Institutes of Health); PubMed 21310275 (cited by Laboratory for Molecular Medicine, Mass General Brigham Personalized Medicine).